The following is an entry in ClinVar:

NM_152564.5(VPS13B):c.10165_10207del (p.Leu3389fs)

Gene: VPS13B (vacuolar protein sorting 13 homolog B; plus strand). Cytogenetic location: 8q22.2.
Variant type: Deletion.
Coding change: c.10165_10207del on transcript NM_152564.5 (MANE Select); coding-DNA positions 10165 to 10207, 43 bases deleted.
Protein change: p.Leu3389fs; shifts the reading frame from leucine 3389.
Molecular consequence: frameshift variant.
Genome position (GRCh38, 1-based): chr8:99,853,554-99,853,596, 43 bases deleted. GRCh37 (hg19): chr8:100,865,782-100,865,824.
Other names: c.10240_10282del, p.Leu3414fs (NM_017890.5); short protein forms L3389fs, L3414fs.
Identifiers: ClinVar variation 226118 (VCV000226118.2), dbSNP rs875989882, ClinGen allele CA10576250.

ClinVar aggregate classification (germline): Pathogenic (1 of 4 stars; one submission).

Conditions:
Cohen syndrome (COH1). Also called: Cutis verticis gyrata, retinitis pigmentosa, and sensorineural deafness; PEPPER SYNDROME. Identifiers: Orphanet 193, MedGen C0265223, MONDO:0008999, OMIM 216550.

Submission:

Center of Genomic medicine, Geneva, University Hospital of Geneva
Classification: Pathogenic for Cohen syndrome. Last evaluated: 2016-03-01. Review status: criteria provided, single submitter. Criteria: ACMG Guidelines, 2015. Collection method: clinical testing. Allele origin: paternal. Affected: yes.